The following is an entry in ClinVar:

NM_201384.3(PLEC):c.2740-3C>T

Gene: PLEC (plectin; minus strand). Cytogenetic location: 8q24.3.
Variant type: single nucleotide variant.
Coding change: c.2740-3C>T on transcript NM_201384.3 (MANE Select); 3 bases into the intron before coding-DNA position 2740, C replaced by T.
Molecular consequence: intron variant.
Genome position (GRCh38, 1-based): chr8:143,929,832, G>A on the plus strand (C>T on the coding strand, the complement: PLEC is on the minus strand). VCF-style: chr8-143929832-G-A. GRCh37 (hg19) VCF-style: chr8-145004000-G-A.
Other names: c.2821-3C>T (NM_000445.5); c.2698-3C>T (NM_201378.4); c.2674-3C>T (NM_201379.3); c.3151-3C>T (NM_201380.4); c.2644-3C>T (NM_201381.3); c.2740-3C>T (NM_201382.4); c.2752-3C>T (NM_201383.3).
Identifiers: ClinVar variation 1347012 (VCV001347012.6), dbSNP rs782178702, ClinGen allele CA586158427.

ClinVar aggregate classification (germline): Uncertain significance (1 of 4 stars; one submission).

Conditions:
Epidermolysis bullosa simplex 5B, with muscular dystrophy (EBS5B). Also called: Epidermolysis bullosa simplex with muscular dystrophy; EPIDERMOLYSIS BULLOSA SIMPLEX AND LIMB-GIRDLE MUSCULAR DYSTROPHY. Identifiers: Orphanet 257, MedGen C2931072, MONDO:0009181, OMIM 226670.
Epidermolysis bullosa simplex, Ogna type (EBS5A). Also called: Pidermolysis bullosa simplex 5A, Ogna type; EPIDERMOLYSIS BULLOSA SIMPLEX 5A, OGNA TYPE. Identifiers: Orphanet 79401, MedGen C0432317, MONDO:0007555, OMIM 131950.
Epidermolysis bullosa simplex 5C, with pyloric atresia (EBS5C). Also called: PLEC1-Related Epidermolysis Bullosa with Pyloric Atresia; PLEC-Related Epidermolysis Bullosa with Pyloric Atresia; Epidermolysis bullosa simplex with pyloric atresia. Identifiers: Orphanet 158684, MedGen C2677349, MONDO:0012807, OMIM 612138.
Epidermolysis bullosa simplex with nail dystrophy (EBS5D). Identifiers: MedGen C4225309, MONDO:0014661, OMIM 616487.
Autosomal recessive limb-girdle muscular dystrophy type 2Q (LGMDR17). Also called: MUSCULAR DYSTROPHY, LIMB-GIRDLE, AUTOSOMAL RECESSIVE 17. Identifiers: Orphanet 254361, MedGen C3150989, MONDO:0013390, OMIM 613723.

gnomAD v4.1: 6 of 1,599,482 alleles (0.00038%); highest among the groups gnomAD compares: South Asian, 0.0033%; no homozygotes.

Submission:

Labcorp Genetics (formerly Invitae), Labcorp
Classification: Uncertain significance for Autosomal recessive limb-girdle muscular dystrophy type 2Q; Epidermolysis bullosa simplex, Ogna type; Epidermolysis bullosa simplex with nail dystrophy; Epidermolysis bullosa simplex 5C, with pyloric atresia; Epidermolysis bullosa simplex 5B, with muscular dystrophy. Last evaluated: 2022-07-26. Review status: criteria provided, single submitter. Criteria: Invitae Variant Classification Sherloc (09022015). Collection method: clinical testing. Allele origin: germline.
Comment: This sequence change falls in intron 23 of the PLEC gene. It does not directly change the encoded amino acid sequence of the PLEC protein. It affects a nucleotide within the consensus splice site. This variant is present in population databases (no rsID available, gnomAD 0.007%). This variant has not been reported in the literature in individuals affected with PLEC-related conditions. ClinVar contains an entry for this variant (Variation ID: 1347012). Variants that disrupt the consensus splice site are a relatively common cause of aberrant splicing (PMID: 17576681, 9536098). Algorithms developed to predict the effect of sequence changes on RNA splicing suggest that this variant is not likely to affect RNA splicing. In summary, the available evidence is currently insufficient to determine the role of this variant in disease. Therefore, it has been classified as a Variant of Uncertain Significance.

Literature cited by the submitters: PubMed 17576681; PubMed 9536098.